The following is an entry in ClinVar:

NM_001005361.3(DNM2):c.1582A>G (p.Ile528Val)

Gene: DNM2 (dynamin 2; plus strand). Cytogenetic location: 19p13.2.
Variant type: single nucleotide variant.
Coding change: c.1582A>G on transcript NM_001005361.3 (MANE Select); coding-DNA position 1582, A replaced by G.
Protein change: p.Ile528Val; replaces isoleucine 528 with valine.
Molecular consequence: missense variant.
Genome position (GRCh38, 1-based): chr19:10,812,288, A>G. VCF-style: chr19-10812288-A-G. GRCh37 (hg19) VCF-style: chr19-10922964-A-G.
Other names: c.1582A>G, p.Ile528Val (NM_001005360.3, NM_001190716.2); c.1570A>G, p.Ile524Val (NM_001005362.3, NM_004945.4); short protein forms I524V, I528V.
Identifiers: ClinVar variation 3026567 (VCV003026567.22), dbSNP rs2513304309, ClinGen allele CA404039436.

ClinVar aggregate classification (germline): Uncertain significance (1 of 4 stars; one submission).

Submission:

CeGaT Center for Human Genetics Tuebingen
Classification: Uncertain significance. Last evaluated: 2023-12-01. Review status: criteria provided, single submitter. Criteria: CeGaT Center For Human Genetics Tuebingen Variant Classification Criteria Version 2. Collection method: clinical testing. Allele origin: germline. Affected: yes. Observed: 1 variant allele.
Comment: DNM2: PM1, PM2